The following is an entry in ClinVar:

NM_018979.4(WNK1):c.509G>A (p.Ser170Asn)

Gene: WNK1 (WNK lysine deficient protein kinase 1; plus strand). Cytogenetic location: 12p13.33.
Variant type: single nucleotide variant.
Coding change: c.509G>A on transcript NM_018979.4 (MANE Select); coding-DNA position 509, G replaced by A.
Protein change: p.Ser170Asn; replaces serine 170 with asparagine.
Molecular consequence: missense variant.
Genome position (GRCh38, 1-based): chr12:754,074, G>A. VCF-style: chr12-754074-G-A. GRCh37 (hg19) VCF-style: chr12-863240-G-A.
Other names: c.509G>A, p.Ser170Asn (NM_001184985.2, NM_014823.3, NM_213655.5); short protein forms S170N.
Identifiers: ClinVar variation 3762242 (VCV003762242.2).
Genomic context (GRCh38, chr12:754,074, plus strand): 5'-GCCCTGCCCCCTCGACTGTCCCCAGCAGTACCAGCAAAGACCGCCCAGTGTCCCAGCCTA[G>A]CCTTGTGGGGAGCAAAGAGGAGCCGCCGCCGGCGAGAAGTGGCAGCGGCGGCGGCAGCGC-3'
Protein context (NP_061852.3, residues 160-180): TSKDRPVSQP[Ser170Asn]LVGSKEEPPP

ClinVar aggregate classification (germline): Uncertain significance (1 of 4 stars; one submission).

Conditions:
Neuropathy, hereditary sensory and autonomic, type 2A (HSAN2A). Also called: ACROOSTEOLYSIS, GIACCAI TYPE; ACROOSTEOLYSIS, NEUROGENIC; MORVAN DISEASE; NEUROPATHY, CONGENITAL SENSORY; NEUROPATHY, HEREDITARY SENSORY RADICULAR, AUTOSOMAL RECESSIVE; NEUROPATHY, HEREDITARY SENSORY, TYPE IIA. Identifiers: Orphanet 970, MedGen C2752089, MONDO:0024309, OMIM 201300.
Pseudohypoaldosteronism type 2C (PHA2C). Also called: Pseudohypoaldosteronism Type IIC. Identifiers: Orphanet 757, Orphanet 88940, MedGen C1840391, MONDO:0013778, OMIM 614492.

gnomAD v4.1: 4 of 1,607,854 alleles (0.00025%); highest among the groups gnomAD compares: Non-Finnish European, 0.00034%; no homozygotes.

Submission:

Labcorp Genetics (formerly Invitae), Labcorp
Classification: Uncertain significance for Neuropathy, hereditary sensory and autonomic, type 2A; Pseudohypoaldosteronism type 2C. Last evaluated: 2024-12-12. Review status: criteria provided, single submitter. Criteria: Invitae Variant Classification Sherloc (09022015). Collection method: clinical testing. Allele origin: germline.
Comment: This sequence change replaces serine, which is neutral and polar, with asparagine, which is neutral and polar, at codon 170 of the WNK1 protein (p.Ser170Asn). This variant is present in population databases (no rsID available, gnomAD 0.001%). This variant has not been reported in the literature in individuals affected with WNK1-related conditions. Invitae Evidence Modeling of protein sequence and biophysical properties (such as structural, functional, and spatial information, amino acid conservation, physicochemical variation, residue mobility, and thermodynamic stability) indicates that this missense variant is not expected to disrupt WNK1 protein function with a negative predictive value of 95%. In summary, the available evidence is currently insufficient to determine the role of this variant in disease. Therefore, it has been classified as a Variant of Uncertain Significance.